The following is an entry in ClinVar:

NM_032444.4(SLX4):c.166G>A (p.Ala56Thr)

Gene: SLX4 (SLX4 structure-specific endonuclease subunit; minus strand). Cytogenetic location: 16p13.3.
Variant type: single nucleotide variant.
Coding change: c.166G>A on transcript NM_032444.4 (MANE Select); coding-DNA position 166, G replaced by A.
Protein change: p.Ala56Thr; replaces alanine 56 with threonine.
Molecular consequence: missense variant.
Genome position (GRCh38, 1-based): chr16:3,608,799, C>T on the plus strand (G>A on the coding strand, the complement: SLX4 is on the minus strand). VCF-style: chr16-3608799-C-T. GRCh37 (hg19) VCF-style: chr16-3658800-C-T.
Other names: short protein forms A56T.
Identifiers: ClinVar variation 1445612 (VCV001445612.8), dbSNP rs746769352, ClinGen allele CA7866936.

ClinVar aggregate classification (germline): Uncertain significance (1 of 4 stars; one submission).

Conditions:
Fanconi anemia (FA). Also called: Fanconi's anemia. Identifiers: Orphanet 84, MedGen C0015625, MeSH D005199, MONDO:0019391.

Allele frequency attached by ClinVar (database versions not stated): gnomAD exomes 0.00001 and 0.00002; ExAC 0.00003.
gnomAD v4.1: 10 of 1,614,102 alleles (0.00062%); highest among the groups gnomAD compares: East Asian, 0.0045%; no homozygotes.

Submission:

Labcorp Genetics (formerly Invitae), Labcorp
Classification: Uncertain significance for Fanconi anemia. Last evaluated: 2023-12-11. Review status: criteria provided, single submitter. Criteria: Invitae Variant Classification Sherloc (09022015). Collection method: clinical testing. Allele origin: germline.
Comment: This sequence change replaces alanine, which is neutral and non-polar, with threonine, which is neutral and polar, at codon 56 of the SLX4 protein (p.Ala56Thr). This variant is present in population databases (rs746769352, gnomAD 0.004%). This variant has not been reported in the literature in individuals affected with SLX4-related conditions. ClinVar contains an entry for this variant (Variation ID: 1445612). Algorithms developed to predict the effect of missense changes on protein structure and function output the following: SIFT: "Not Available"; PolyPhen-2: "Possibly Damaging"; Align-GVGD: "Not Available". The threonine amino acid residue is found in multiple mammalian species, which suggests that this missense change does not adversely affect protein function. In summary, the available evidence is currently insufficient to determine the role of this variant in disease. Therefore, it has been classified as a Variant of Uncertain Significance.